The following is an entry in ClinVar:

ClinVar aggregate classification (germline): Uncertain significance (1 of 4 stars; one submission).

Conditions:
RASopathy. Also called: Noonan spectrum disorder; rasopathies. Identifiers: Orphanet 536391, MedGen C5555857, MONDO:0021060.

Submission:

Labcorp Genetics (formerly Invitae), Labcorp
Classification: Uncertain significance for RASopathy. Last evaluated: 2022-10-04. Review status: criteria provided, single submitter. Criteria: Invitae Variant Classification Sherloc (09022015). Collection method: clinical testing. Allele origin: germline.
Comment: In summary, the available evidence is currently insufficient to determine the role of this variant in disease. Therefore, it has been classified as a Variant of Uncertain Significance. Experimental studies and prediction algorithms are not available or were not evaluated, and the functional significance of this variant is currently unknown. This variant has not been reported in the literature in individuals affected with MAP2K1-related conditions. This variant is present in population databases (rs775355010, gnomAD 0.007%). This sequence change creates a premature translational stop signal (p.Lys344Thrfs*8) in the MAP2K1 gene. While this is not anticipated to result in nonsense mediated decay, it is expected to disrupt the last 50 amino acid(s) of the MAP2K1 protein.

NM_002755.4(MAP2K1):c.1031_1034del (p.Lys344fs)

Gene: MAP2K1 (mitogen-activated protein kinase kinase 1; plus strand). Cytogenetic location: 15q22.31.
Variant type: Deletion.
Coding change: c.1031_1034del on transcript NM_002755.4 (MANE Select); coding-DNA positions 1031 to 1034, 4 bases deleted (AAAA; older notation c.1031_1034delAAAA).
Protein change: p.Lys344fs; shifts the reading frame from lysine 344.
Molecular consequence: frameshift variant.
Genome position (GRCh38, 1-based): chr15:66,489,726-66,489,729, AAAA deleted; deleting any 4 consecutive bases within chr15:66,489,724-66,489,729 gives the same sequence; the c. name uses the placement nearest the transcript's 3' end. VCF-style (leftmost placement, unchanged base first): chr15-66489723-TAAAA-T. GRCh37 (hg19) VCF-style: chr15-66782061-TAAAA-T.
Other names: c.887_890delAAAA, p.Lys296Thrfs (NM_001411065.1); short protein forms K344fs.
Identifiers: ClinVar variation 2180190 (VCV002180190.4), dbSNP rs775355010, ClinGen allele CA7624095.